The following is an entry in ClinVar:

NC_000012.11:g.(?_133210817)_(133211013_?)dup

Gene: POLE (DNA polymerase epsilon, catalytic subunit; minus strand). Cytogenetic location: 12q24.33.
Variant type: Duplication.
Identifiers: ClinVar variation 473432 (VCV000473432.6).

ClinVar aggregate classification (germline): Uncertain significance (1 of 4 stars; one submission).

Conditions:
Colorectal cancer, susceptibility to, 12 (CRCS12). Also called: COLORECTAL CANCER, SUSCEPTIBILITY TO, ON CHROMOSOME 12q24. Identifiers: Orphanet 220460, MedGen C3554460, MONDO:0014038, OMIM 615083.

Submission:

Labcorp Genetics (formerly Invitae), Labcorp
Classification: Uncertain significance for Colorectal cancer, susceptibility to, 12. Last evaluated: 2019-11-18. Review status: criteria provided, single submitter. Criteria: Invitae Variant Classification Sherloc (09022015). Collection method: clinical testing. Allele origin: germline.
Comment: This variant is a gross duplication of the genomic region encompassing part of exon 43 of the POLE gene, including the intron 42-exon 43 boundary (NM_006231.2:c.5812-49_5959dup). The duplicated copy of this region is in tandem, and likely leads to an absent or disrupted protein product. This variant has not been reported in the literature in individuals with a POLE-related disease. Missense variants that disrupt the 3'-5' exonuclease (proof-reading) activity of the POLE protein, while not abolishing its polymerase enzyme activity, are associated with an increased risk for colonic adenomatous polyps and colon cancer (PMID: 23263490, 23447401). Loss-of-function truncating variants, which result in an absent or severely disrupted POLE protein, are therefore unlikely to be associated with disease. Without further clinical and genetic evidence, however, this variant has been classified as a Variant of Uncertain Significance.

Literature cited by the submitters: PubMed 23263490; PubMed 23447401.